The following is an entry in ClinVar:

ClinVar aggregate classification (germline): Pathogenic (1 of 4 stars; one submission).

Conditions:
Propionic acidemia (PROP). Also called: GLYCINEMIA, KETOTIC; HYPERGLYCINEMIA WITH KETOACIDOSIS AND LEUKOPENIA; KETOTIC HYPERGLYCINEMIA. Identifiers: Orphanet 35, MedGen C0268579, MONDO:0011628, OMIM 606054, HP:0003571.

Submission:

Labcorp Genetics (formerly Invitae), Labcorp
Classification: Pathogenic for Propionic acidemia. Last evaluated: 2022-10-31. Review status: criteria provided, single submitter. Criteria: Invitae Variant Classification Sherloc (09022015). Collection method: clinical testing. Allele origin: germline.
Comment: This variant disrupts a region of the PCCA protein in which other variant(s) (p.Gln293Arg) have been determined to be pathogenic (PMID: 23430860, 27227689; Invitae). This suggests that this is a clinically significant region of the protein, and that variants that disrupt it are likely to be disease-causing. For these reasons, this variant has been classified as Pathogenic. This variant has not been reported in the literature in individuals affected with PCCA-related conditions. This variant is a gross deletion of the genomic region encompassing exon(s) 11-12 of the PCCA gene. This variant would be expected to be in-frame, preserving the integrity of the reading frame.

Literature cited by the submitters: PubMed 23430860; PubMed 27227689.

NC_000013.10:g.(?_100920933)_(100925610_?)del

Gene: PCCA (propionyl-CoA carboxylase subunit alpha; plus strand). Cytogenetic location: 13q32.3.
Variant type: Deletion.
Identifiers: ClinVar variation 2422798 (VCV002422798.4).